The following is an entry in ClinVar:

ClinVar aggregate classification (germline): Uncertain significance (1 of 4 stars; one submission).

Submission:

GeneDx
Classification: Uncertain significance. Last evaluated: 2023-12-28. Review status: criteria provided, single submitter. Criteria: GeneDx Variant Classification Process June 2021. Collection method: clinical testing. Allele origin: germline. Affected: yes.
Comment: Not observed at significant frequency in large population cohorts (gnomAD); In-frame deletion of 1 amino acids in a non-repeat region; In silico analysis supports a deleterious effect on protein structure/function; Has not been previously published as pathogenic or benign to our knowledge

NM_022114.4(PRDM16):c.745AAG[1] (p.Lys250del)

Gene: PRDM16 (PR/SET domain 16; plus strand). Cytogenetic location: 1p36.32.
Variant type: Microsatellite.
Coding change: c.745AAG[1] on transcript NM_022114.4 (MANE Select); one copy of the 3-base unit AAG starting at c.745; the reference has two copies in a row; one copy, 3 bases deleted.
Protein change: p.Lys250del; deletes lysine 250.
Molecular consequence: inframe deletion.
Genome position (GRCh38, 1-based): chr1:3,402,862-3,402,864, AAG deleted; deleting any 3 consecutive bases within chr1:3,402,859-3,402,864 gives the same sequence; the position shown is the placement nearest the transcript's 3' end. VCF-style (leftmost placement, unchanged base first): chr1-3402858-TAAG-T. GRCh37 (hg19) VCF-style: chr1-3319422-TAAG-T.
Other names: c.745AAG[1], p.Lys250del (NM_199454.3); short protein forms K250del.
Identifiers: ClinVar variation 3370063 (VCV003370063.1).